The following is an entry in ClinVar:

ClinVar aggregate classification (germline): Uncertain significance (1 of 4 stars; one submission).

Conditions:
Early-infantile DEE. Also called: Ohtahara syndrome; Early infantile epileptic encephalopathy with suppression bursts; Early infantile epileptic encephalopathy. Identifiers: Orphanet 1934, MedGen C0393706, MONDO:0800491.

gnomAD v4.1: 2 of 1,613,150 alleles (0.00012%); highest among the groups gnomAD compares: African/African-American, 0.0027%; no homozygotes.

Submission:

Labcorp Genetics (formerly Invitae), Labcorp
Classification: Uncertain significance for Early-infantile DEE. Last evaluated: 2025-01-05. Review status: criteria provided, single submitter. Criteria: Invitae Variant Classification Sherloc (09022015). Collection method: clinical testing. Allele origin: germline.
Comment: This sequence change replaces arginine, which is basic and polar, with glycine, which is neutral and non-polar, at codon 482 of the ARHGEF15 protein (p.Arg482Gly). This variant is not present in population databases (gnomAD no frequency). This variant has not been reported in the literature in individuals affected with ARHGEF15-related conditions. An algorithm developed to predict the effect of missense changes on protein structure and function (PolyPhen-2) suggests that this variant is likely to be disruptive. In summary, the available evidence is currently insufficient to determine the role of this variant in disease. Therefore, it has been classified as a Variant of Uncertain Significance.

NM_173728.4(ARHGEF15):c.1444C>G (p.Arg482Gly)

Gene: ARHGEF15 (Rho guanine nucleotide exchange factor 15; plus strand). Cytogenetic location: 17p13.1.
Variant type: single nucleotide variant.
Coding change: c.1444C>G on transcript NM_173728.4 (MANE Select); coding-DNA position 1444, C replaced by G.
Protein change: p.Arg482Gly; replaces arginine 482 with glycine.
Molecular consequence: missense variant.
Genome position (GRCh38, 1-based): chr17:8,315,777, C>G. VCF-style: chr17-8315777-C-G. GRCh37 (hg19) VCF-style: chr17-8219095-C-G.
Other names: c.1444C>G, p.Arg482Gly (NM_025014.2); short protein forms R482G.
Identifiers: ClinVar variation 3672772 (VCV003672772.2).